The following is an entry in ClinVar:

ClinVar aggregate classification (germline): Benign. Review status: criteria provided, multiple submitters, no conflicts (2 of 4 stars). 3 submissions from 3 submitters: Benign (3). Last evaluated 2021-07-10.

Conditions:
Autosomal recessive nonsyndromic hearing loss 77. Identifiers: Orphanet 90636, MedGen C2746083, MONDO:0013119, OMIM 613079.

Allele frequency attached by ClinVar (database versions not stated): 1000 Genomes Project 30x 0.05169; 1000 Genomes Project 0.05212; gnomAD 0.05517 and 0.05586; TOPMed 0.05787; gnomAD exomes 0.07538.
gnomAD v4.1: 112,288 of 1,527,778 alleles (7.3%); highest among the groups gnomAD compares: Non-Finnish European, 8.1%; 4,505 homozygotes.

Submissions (3):

Genome-Nilou Lab
Classification: Benign for Autosomal recessive nonsyndromic hearing loss 77. Last evaluated: 2021-07-10. Review status: criteria provided, single submitter. Criteria: ACMG Guidelines, 2015. Collection method: clinical testing. Allele origin: germline. Affected: no.

GeneDx
Classification: Benign. Last evaluated: 2018-06-16. Review status: criteria provided, single submitter. Criteria: GeneDx Variant Classification (06012015). Collection method: clinical testing. Allele origin: germline. Affected: yes.
Comment: This variant is considered likely benign or benign based on one or more of the following criteria: it is a conservative change, it occurs at a poorly conserved position in the protein, it is predicted to be benign by multiple in silico algorithms, and/or has population frequency not consistent with disease.

Breakthrough Genomics
Classification: Benign. Review status: criteria provided, single submitter. Criteria: ACMG Guidelines, 2015. Collection method: not provided. Allele origin: germline. Inheritance: Autosomal recessive inheritance. Affected: yes.

NM_001384474.1(LOXHD1):c.5878+60A>G

Gene: LOXHD1 (lipoxygenase homology PLAT domains 1; minus strand). Cytogenetic location: 18q21.1.
Variant type: single nucleotide variant.
Coding change: c.5878+60A>G on transcript NM_001384474.1 (MANE Select); 60 bases into the intron after coding-DNA position 5878, A replaced by G.
Molecular consequence: intron variant.
Genome position (GRCh38, 1-based): chr18:46,505,778, T>C on the plus strand (A>G on the coding strand, the complement: LOXHD1 is on the minus strand). VCF-style: chr18-46505778-T-C. GRCh37 (hg19) VCF-style: chr18-44085741-T-C.
Other names: c.2545+60A>G (NM_001145472.3); c.2257+60A>G (NM_001308013.2); c.595+60A>G (NM_001173129.2, NM_001145473.3); c.5692+60A>G (NM_144612.7).
Identifiers: ClinVar variation 682720 (VCV000682720.5), dbSNP rs60852510, ClinGen allele CA299795886.
Genomic context (GRCh38, chr18:46,505,778, plus strand): 5'-TGTTCAGTTTTCTGCCACCCTGGGGTAATCAGAGTCAATGTGCTGCCAGGGAGGGAATAA[T>C]GGCTCAGGAAGGGAGCTGAGGGCTGCCCTCCCACCAACCTGGCCTTGAGTGGGAGCTACC-3'